The following is an entry in ClinVar:

NM_003640.5(ELP1):c.3285+2T>C

Gene: ELP1 (elongator acetyltransferase complex subunit 1; minus strand). Cytogenetic location: 9q31.3.
Variant type: single nucleotide variant.
Coding change: c.3285+2T>C on transcript NM_003640.5 (MANE Select); the canonical splice donor site of the intron after coding-DNA position 3285, T replaced by C.
Molecular consequence: splice donor variant.
Genome position (GRCh38, 1-based): chr9:108,882,123, A>G on the plus strand (T>C on the coding strand, the complement: ELP1 is on the minus strand). VCF-style: chr9-108882123-A-G. GRCh37 (hg19) VCF-style: chr9-111644403-A-G.
Other names: c.2943+2T>C (NM_001318360.2); c.2238+2T>C (NM_001330749.2).
Identifiers: ClinVar variation 526195 (VCV000526195.7), dbSNP rs1554692181, ClinGen allele CA374413406.

ClinVar aggregate classification (germline): Likely pathogenic (1 of 4 stars; one submission).

Submission:

Labcorp Genetics (formerly Invitae), Labcorp
Classification: Likely pathogenic. Last evaluated: 2022-02-04. Review status: criteria provided, single submitter. Criteria: Invitae Variant Classification Sherloc (09022015). Collection method: clinical testing. Allele origin: germline.
Comment: In summary, the currently available evidence indicates that the variant is pathogenic, but additional data are needed to prove that conclusively. Therefore, this variant has been classified as Likely Pathogenic. Algorithms developed to predict the effect of sequence changes on RNA splicing suggest that this variant may disrupt the consensus splice site. ClinVar contains an entry for this variant (Variation ID: 526195). This variant has not been reported in the literature in individuals affected with IKBKAP-related conditions. This variant is not present in population databases (gnomAD no frequency). This sequence change affects a donor splice site in intron 30 of the IKBKAP gene. It is expected to disrupt RNA splicing. Variants that disrupt the donor or acceptor splice site typically lead to a loss of protein function (PMID: 16199547), and loss-of-function variants in IKBKAP are known to be pathogenic (PMID: 18303054, 24173031).

Literature cited by the submitters: PubMed 16199547; PubMed 18303054; PubMed 24173031.